The following is an entry in ClinVar:

NM_000051.4(ATM):c.5933A>G (p.Glu1978Gly)

Genes: ATM (ATM serine/threonine kinase; plus strand), C11orf65 (chromosome 11 open reading frame 65; minus strand). Cytogenetic location: 11q22.3.
Variant type: single nucleotide variant.
Coding change: c.5933A>G on transcript NM_000051.4 (MANE Select); coding-DNA position 5933, A replaced by G.
Protein change: p.Glu1978Gly; replaces glutamic acid 1978 with glycine.
Molecular consequence: missense variant. On other transcripts: intron variant (2).
Genome position (GRCh38, 1-based): chr11:108,312,425, A>G. VCF-style: chr11-108312425-A-G. GRCh37 (hg19) VCF-style: chr11-108183152-A-G.
Other names: c.5933A>G, p.Glu1978Gly (NM_001351834.2); c.641-3354T>C (NM_001330368.2); c.*39-3354T>C (NM_001351110.2); short protein forms E1978G.
Identifiers: ClinVar variation 3222047 (VCV003222047.1), dbSNP rs2136059405, ClinGen allele CA382548658.

ClinVar aggregate classification (germline): Uncertain significance (1 of 4 stars; one submission).

Conditions:
Hereditary cancer-predisposing syndrome. Also called: Tumor predisposition; Hereditary Cancer Syndrome; Hereditary neoplastic syndrome; Neoplastic Syndromes, Hereditary. Identifiers: Orphanet 140162, MedGen C0027672, MeSH D009386, MONDO:0015356.

Submission:

Ambry Genetics
Classification: Uncertain significance for Hereditary cancer-predisposing syndrome. Last evaluated: 2023-09-16. Review status: criteria provided, single submitter. Criteria: Ambry Variant Classification Scheme 2023. Collection method: clinical testing. Allele origin: germline.
Comment: The p.E1978G variant (also known as c.5933A>G), located in coding exon 39 of the ATM gene, results from an A to G substitution at nucleotide position 5933. The glutamic acid at codon 1978 is replaced by glycine, an amino acid with similar properties. This amino acid position is conserved. In addition, the in silico prediction for this alteration is inconclusive. Since supporting evidence is limited at this time, the clinical significance of this alteration remains unclear.